The following is an entry in ClinVar:

ClinVar aggregate classification (germline): Uncertain significance (1 of 4 stars; one submission).

Conditions:
2-aminoadipic 2-oxoadipic aciduria (AAKAD). Also called: ALPHA-AMINOADIPIC AND ALPHA-KETOADIPIC ACIDURIA; Aminoadipic aciduria. Identifiers: Orphanet 79154, MedGen C1859817, MONDO:0008774, OMIM 204750.

Allele frequency attached by ClinVar (database versions not stated): gnomAD 0.00001; ExAC 0.00002.

Submission:

Labcorp Genetics (formerly Invitae), Labcorp
Classification: Uncertain significance for 2-aminoadipic 2-oxoadipic aciduria. Last evaluated: 2023-09-22. Review status: criteria provided, single submitter. Criteria: Invitae Variant Classification Sherloc (09022015). Collection method: clinical testing. Allele origin: germline.
Comment: This sequence change replaces arginine, which is basic and polar, with cysteine, which is neutral and slightly polar, at codon 407 of the DHTKD1 protein (p.Arg407Cys). In summary, the available evidence is currently insufficient to determine the role of this variant in disease. Therefore, it has been classified as a Variant of Uncertain Significance. Advanced modeling of protein sequence and biophysical properties (such as structural, functional, and spatial information, amino acid conservation, physicochemical variation, residue mobility, and thermodynamic stability) performed at Invitae indicates that this missense variant is expected to disrupt DHTKD1 protein function. ClinVar contains an entry for this variant (Variation ID: 2178779). This missense change has been observed in individual(s) with DHTKD1-related conditions (PMID: 32005694). This variant is present in population databases (rs779372510, gnomAD 0.01%).

Literature cited by the submitters: PubMed 32005694.

NM_018706.7(DHTKD1):c.1219C>T (p.Arg407Cys)

Gene: DHTKD1 (dehydrogenase E1 and transketolase domain containing 1; plus strand). Cytogenetic location: 10p14.
Variant type: single nucleotide variant.
Coding change: c.1219C>T on transcript NM_018706.7 (MANE Select); coding-DNA position 1219, C replaced by T.
Protein change: p.Arg407Cys; replaces arginine 407 with cysteine.
Molecular consequence: missense variant.
Genome position (GRCh38, 1-based): chr10:12,094,132, C>T. VCF-style: chr10-12094132-C-T. GRCh37 (hg19) VCF-style: chr10-12136131-C-T.
Other names: short protein forms R407C.
Identifiers: ClinVar variation 2178779 (VCV002178779.4), dbSNP rs779372510, ClinGen allele CA5407783.